The following is an entry in ClinVar:

ClinVar aggregate classification (germline): Conflicting classifications of pathogenicity. Review status: criteria provided, conflicting classifications (1 of 4 stars). 2 submissions from 2 submitters: Uncertain significance (1); Likely benign (1). Last evaluated 2025-05-15.

Conditions:
Hereditary cancer-predisposing syndrome. Also called: Neoplastic Syndromes, Hereditary; Tumor predisposition; Hereditary Cancer Syndrome; Hereditary neoplastic syndrome. Identifiers: Orphanet 140162, MedGen C0027672, MeSH D009386, MONDO:0015356.
EGFR-related lung cancer (EGFR). Identifiers: MedGen CN130014.

Allele frequency attached by ClinVar (database versions not stated): gnomAD exomes below 0.00001; TOPMed below 0.00001.
gnomAD v4.1: 1 of 1,614,222 alleles (0.000062%); highest among the groups gnomAD compares: African/African-American, 0.0013%; no homozygotes.

Submissions (2):

Ambry Genetics
Classification: Uncertain significance for Hereditary cancer-predisposing syndrome. Last evaluated: 2025-05-15. Review status: criteria provided, single submitter. Criteria: Ambry Variant Classification Scheme 2023. Collection method: clinical testing. Allele origin: germline.
Comment: The c.2702-5C>T intronic variant results from a C to T substitution 5 nucleotides upstream from coding exon 23 in the EGFR gene. This nucleotide position is not well conserved in available vertebrate species. In silico splice site analysis predicts that this alteration will not have any significant effect on splicing. Based on the available evidence, the clinical significance of this variant remains unclear.

Labcorp Genetics (formerly Invitae), Labcorp
Classification: Likely benign for EGFR-related lung cancer. Last evaluated: 2025-05-02. Review status: criteria provided, single submitter. Criteria: Invitae Variant Classification Sherloc (09022015). Collection method: clinical testing. Allele origin: germline.

NM_005228.5(EGFR):c.2702-5C>T

Gene: EGFR (epidermal growth factor receptor; plus strand). Cytogenetic location: 7p11.2.
Variant type: single nucleotide variant.
Coding change: c.2702-5C>T on transcript NM_005228.5 (MANE Select); 5 bases into the intron before coding-DNA position 2702, C replaced by T.
Molecular consequence: intron variant.
Genome position (GRCh38, 1-based): chr7:55,198,712, C>T. VCF-style: chr7-55198712-C-T. GRCh37 (hg19) VCF-style: chr7-55266405-C-T.
Other names: c.2567-5C>T (NM_001346899.2, NM_001346897.2); c.1901-5C>T (NM_001346941.2); c.2702-5C>T (NM_001346898.2, NM_005228.3); c.2543-5C>T (NM_001346900.2).
Identifiers: ClinVar variation 1631405 (VCV001631405.9), dbSNP rs754109027, ClinGen allele CA574326494.
Genomic context (GRCh38, chr7:55,198,712, plus strand): 5'-AAGCAAGGGATTGTGATTGTTCATTCATGATCCCACTGCCTTCTTTTCTTGCTTCATCCT[C>T]TCAGGGGTGACTGTTTGGGAGTTGATGACCTTTGGATCCAAGCCATATGACGGAATCCCT-3'